The following is an entry in ClinVar:

ClinVar aggregate classification (germline): Uncertain significance (1 of 4 stars; one submission).

Conditions:
Inborn genetic diseases. Identifiers: MedGen C0950123, MeSH D030342.

Submission:

Ambry Genetics
Classification: Uncertain significance for Inborn genetic diseases. Last evaluated: 2025-07-12. Review status: criteria provided, single submitter. Criteria: Ambry Variant Classification Scheme 2023. Collection method: clinical testing. Allele origin: germline.
Comment: The p.G192V variant (also known as c.575G>T), located in coding exon 4 of the ELANE gene, results from a G to T substitution at nucleotide position 575. The glycine at codon 192 is replaced by valine, an amino acid with dissimilar properties. This amino acid position is conserved. In addition, the in silico prediction for this alteration is inconclusive. Based on the available evidence, the clinical significance of this variant remains unclear.

NM_001972.4(ELANE):c.575G>T (p.Gly192Val)

Gene: ELANE (elastase, neutrophil expressed; plus strand). Cytogenetic location: 19p13.3.
Variant type: single nucleotide variant.
Coding change: c.575G>T on transcript NM_001972.4 (MANE Select); coding-DNA position 575, G replaced by T.
Protein change: p.Gly192Val; replaces glycine 192 with valine.
Molecular consequence: missense variant.
Genome position (GRCh38, 1-based): chr19:855,772, G>T. VCF-style: chr19-855772-G-T. GRCh37 (hg19) VCF-style: chr19-855772-G-T.
Other names: short protein forms G192V.
Identifiers: ClinVar variation 4248065 (VCV004248065.1).
Genomic context (GRCh38, chr19:855,772, plus strand): 5'-TCAACGTGACGGTGGTGACGTCCCTCTGCCGTCGCAGCAACGTCTGCACTCTCGTGAGGG[G>T]CCGGCAGGCCGGCGTCTGTTTCGTACGTGCCCTGGGTGTCCCTCTGCTCCCCACCCGCTC-3'
Protein context (NP_001963.1, residues 182-202): RRSNVCTLVR[Gly192Val]RQAGVCFGDS